The following is an entry in ClinVar:

NM_006206.6(PDGFRA):c.1238-3C>A

Gene: PDGFRA (platelet derived growth factor receptor alpha; plus strand). Cytogenetic location: 4q12.
Variant type: single nucleotide variant.
Coding change: c.1238-3C>A on transcript NM_006206.6 (MANE Select); 3 bases into the intron before coding-DNA position 1238, C replaced by A.
Molecular consequence: intron variant.
Genome position (GRCh38, 1-based): chr4:54,272,391, C>A. VCF-style: chr4-54272391-C-A. GRCh37 (hg19) VCF-style: chr4-55138558-C-A.
Other names: c.1313-3C>A (NM_001347828.2); c.1238-3C>A (NM_001347827.2, NM_001347829.2); c.1277-3C>A (NM_001347830.2).
Identifiers: ClinVar variation 3727239 (VCV003727239.2).

ClinVar aggregate classification (germline): Uncertain significance (1 of 4 stars; one submission).

Conditions:
Gastrointestinal stromal tumor. Also called: Gastrointestinal stromal tumor, somatic; Gastrointestinal stroma tumor. Identifiers: Orphanet 44890, MedGen C0238198, MeSH D046152, MONDO:0011719, OMIM 606764, HP:0100723.

Submission:

Labcorp Genetics (formerly Invitae), Labcorp
Classification: Uncertain significance for Gastrointestinal stromal tumor. Last evaluated: 2024-12-13. Review status: criteria provided, single submitter. Criteria: Invitae Variant Classification Sherloc (09022015). Collection method: clinical testing. Allele origin: germline.
Comment: This sequence change falls in intron 8 of the PDGFRA gene. It does not directly change the encoded amino acid sequence of the PDGFRA protein. It affects a nucleotide within the consensus splice site. This variant is not present in population databases (gnomAD no frequency). This variant has not been reported in the literature in individuals affected with PDGFRA-related conditions. Variants that disrupt the consensus splice site are a relatively common cause of aberrant splicing (PMID: 17576681, 9536098). Algorithms developed to predict the effect of sequence changes on RNA splicing suggest that this variant may disrupt the consensus splice site. In summary, the available evidence is currently insufficient to determine the role of this variant in disease. Therefore, it has been classified as a Variant of Uncertain Significance.

Literature cited by the submitters: PubMed 17576681; PubMed 9536098.